The following is an entry in ClinVar:

ClinVar aggregate classification (germline): Pathogenic/Likely pathogenic. Review status: criteria provided, multiple submitters, no conflicts (2 of 4 stars). 2 submissions from 2 submitters: Pathogenic (1); Likely pathogenic (1). Last evaluated 2025-08-21.

Conditions:
Lynch syndrome. Identifiers: Orphanet 144, MedGen C4552100, MONDO:0005835. Disease mechanism: loss of function.
Hereditary cancer-predisposing syndrome. Also called: Neoplastic Syndromes, Hereditary; Tumor predisposition; Hereditary neoplastic syndrome; Hereditary Cancer Syndrome. Identifiers: Orphanet 140162, MedGen C0027672, MeSH D009386, MONDO:0015356.

Submissions (2):

Ambry Genetics
Classification: Pathogenic for Hereditary cancer-predisposing syndrome. Last evaluated: 2025-08-21. Review status: criteria provided, single submitter. Criteria: Ambry Variant Classification Scheme 2023. Collection method: clinical testing. Allele origin: germline.
Comment: The c.3646+2_3646+3insCT intronic pathogenic mutation results from an insertion of two nucleotides (CT) between nucleotide positions 3646+2 and 3646+3 after exon 7 of the MSH6 gene. This variant is considered to be rare based on population cohorts in the Genome Aggregation Database (gnomAD). In silico splice site analysis predicts that this alteration will weaken the native splice donor site. RNA studies have demonstrated that this alteration results in abnormal splicing in the set of samples tested (Ambry internal data). Based on the supporting evidence, this alteration is interpreted as a disease-causing mutation.

All of Us Research Program, National Institutes of Health
Classification: Likely pathogenic for Lynch syndrome. Last evaluated: 2024-03-29. Review status: criteria provided, single submitter. Criteria: ACMG Guidelines, 2015. Collection method: clinical testing. Allele origin: germline. Inheritance: Autosomal dominant inheritance. Observed: 2 variant alleles, 2 heterozygotes.
Comment: This variant causes an insertion of two nucleotides between +2 and +3 position in intron 7 of the MSH6 gene. Splice site prediction tools predict that this variant may have a significant impact on RNA splicing. Although this prediction has not been confirmed in published RNA studies, this variant is expected to result in an absent or disrupted protein product. This variant has been reported in an individual affected with Lynch syndrome (ClinVar: SCV001182317.3). This variant has not been identified in the general population by the Genome Aggregation Database (gnomAD). A different variant affecting the same splice donor site, c.3646+2T>C, is known to be disease-causing (ClinVar variation ID: 455274). Loss of MSH6 function is a known mechanism of disease. Based on the available evidence, this variant is classified as Likely Pathogenic.

This study involves interpretation of variants in research participants for the purpose of population health screening. Participant phenotype was not available at the time of variant classification. Additional details can be found in publication PMID: 35346344, PMCID: PMC8962531

NM_000179.3(MSH6):c.3646+2_3646+3insCT

Gene: MSH6 (mutS homolog 6; plus strand). Cytogenetic location: 2p16.3.
Variant type: Insertion.
Coding change: c.3646+2_3646+3insCT on transcript NM_000179.3 (MANE Select); the canonical splice donor site of the intron after coding-DNA position 3646 through 3 bases into the intron after coding-DNA position 3646, CT inserted.
Molecular consequence: splice donor variant.
Genome position: GRCh38 VCF-style: chr2-47805708-G-GTC. GRCh37 (hg19) VCF-style: chr2-48032847-G-GTC.
Other names: c.2740+2_2740+3insCT (NM_001281493.2, NM_001281494.2); c.3256+2_3256+3insCT (NM_001281492.2).
Identifiers: ClinVar variation 824026 (VCV000824026.7), dbSNP rs1269788253, ClinGen allele CA915943965.